The following is an entry in ClinVar:

ClinVar aggregate classification (germline): Uncertain significance (1 of 4 stars; one submission).

Conditions:
Kufor-Rakeb syndrome (KRS). Also called: PARKINSON DISEASE 9, AUTOSOMAL RECESSIVE, JUVENILE-ONSET. Identifiers: Orphanet 306674, Orphanet 314632, MedGen C1847640, MONDO:0011706, OMIM 606693.
Autosomal recessive spastic paraplegia type 78. Identifiers: Orphanet 513436, MedGen C5567893, MONDO:0014975, OMIM 617225.

Submission:

Labcorp Genetics (formerly Invitae), Labcorp
Classification: Uncertain significance for Kufor-Rakeb syndrome; Autosomal recessive spastic paraplegia type 78. Last evaluated: 2025-08-15. Review status: criteria provided, single submitter. Criteria: Invitae Variant Classification Sherloc (09022015). Collection method: clinical testing. Allele origin: germline.
Comment: This sequence change replaces leucine, which is neutral and non-polar, with proline, which is neutral and non-polar, at codon 531 of the ATP13A2 protein (p.Leu531Pro). This variant is not present in population databases (gnomAD no frequency). This variant has not been reported in the literature in individuals affected with ATP13A2-related conditions. ClinVar contains an entry for this variant (Variation ID: 1396910). Invitae Evidence Modeling of protein sequence and biophysical properties (such as structural, functional, and spatial information, amino acid conservation, physicochemical variation, residue mobility, and thermodynamic stability) indicates that this missense variant is not expected to disrupt ATP13A2 protein function with a negative predictive value of 80%. In summary, the available evidence is currently insufficient to determine the role of this variant in disease. Therefore, it has been classified as a Variant of Uncertain Significance.

NM_022089.4(ATP13A2):c.1592T>C (p.Leu531Pro)

Gene: ATP13A2 (ATPase cation transporting 13A2; minus strand). Cytogenetic location: 1p36.13.
Variant type: single nucleotide variant.
Coding change: c.1592T>C on transcript NM_022089.4 (MANE Select); coding-DNA position 1592, T replaced by C.
Protein change: p.Leu531Pro; replaces leucine 531 with proline.
Molecular consequence: missense variant.
Genome position (GRCh38, 1-based): chr1:16,993,786, A>G on the plus strand (T>C on the coding strand, the complement: ATP13A2 is on the minus strand). VCF-style: chr1-16993786-A-G. GRCh37 (hg19) VCF-style: chr1-17320281-A-G.
Other names: c.1577T>C, p.Leu526Pro (NM_001141973.3, NM_001141974.3); short protein forms L526P, L531P.
Identifiers: ClinVar variation 1396910 (VCV001396910.6), dbSNP rs2100818906, ClinGen allele CA338248927.